The following is an entry in ClinVar:

NM_020964.3(EPG5):c.5592C>G (p.Ser1864Arg)

Gene: EPG5 (ectopic P-granules 5 autophagy tethering factor; minus strand). Cytogenetic location: 18q12.3.
Variant type: single nucleotide variant.
Coding change: c.5592C>G on transcript NM_020964.3 (MANE Select); coding-DNA position 5592, C replaced by G.
Protein change: p.Ser1864Arg; replaces serine 1864 with arginine.
Molecular consequence: missense variant.
Genome position (GRCh38, 1-based): chr18:45,880,150, G>C on the plus strand (C>G on the coding strand, the complement: EPG5 is on the minus strand). VCF-style: chr18-45880150-G-C. GRCh37 (hg19) VCF-style: chr18-43460115-G-C.
Other names: short protein forms S1864R.
Identifiers: ClinVar variation 1369186 (VCV001369186.9), dbSNP rs2145404973, ClinGen allele CA402343798.

ClinVar aggregate classification (germline): Uncertain significance (1 of 4 stars; one submission).

Conditions:
Vici syndrome (VICIS). Identifiers: Orphanet 1493, MedGen C1855772, MONDO:0009452, OMIM 242840.

Submission:

Labcorp Genetics (formerly Invitae), Labcorp
Classification: Uncertain significance for Vici syndrome. Last evaluated: 2021-07-22. Review status: criteria provided, single submitter. Criteria: Invitae Variant Classification Sherloc (09022015). Collection method: clinical testing. Allele origin: germline.
Comment: This sequence change replaces serine with arginine at codon 1864 of the EPG5 protein (p.Ser1864Arg). The serine residue is moderately conserved and there is a moderate physicochemical difference between serine and arginine. In summary, the available evidence is currently insufficient to determine the role of this variant in disease. Therefore, it has been classified as a Variant of Uncertain Significance. Algorithms developed to predict the effect of sequence changes on RNA splicing suggest that this variant may create or strengthen a splice site. Algorithms developed to predict the effect of missense changes on protein structure and function (SIFT, PolyPhen-2, Align-GVGD) all suggest that this variant is likely to be tolerated. This variant has not been reported in the literature in individuals affected with EPG5-related conditions. This variant is not present in population databases (ExAC no frequency).